The following is an entry in ClinVar:

ClinVar aggregate classification (germline): Uncertain significance (1 of 4 stars; one submission).

Conditions:
Hereditary sensory and autonomic neuropathy type 1 (HSAN1). Also called: HSAN 1; HSN Type I; Hereditary Sensory Neuropathy Type I. Identifiers: Orphanet 36386, MedGen C0020071, MONDO:0018213.

Allele frequency attached by ClinVar (database versions not stated): gnomAD exomes below 0.00001.
gnomAD v4.1: 1 of 1,613,852 alleles (0.000062%); highest among the groups gnomAD compares: Non-Finnish European, 0.000085%; no homozygotes.

Submission:

Labcorp Genetics (formerly Invitae), Labcorp
Classification: Uncertain significance for Hereditary sensory and autonomic neuropathy type 1. Last evaluated: 2023-07-25. Review status: criteria provided, single submitter. Criteria: Invitae Variant Classification Sherloc (09022015). Collection method: clinical testing. Allele origin: germline.
Comment: This sequence change replaces proline, which is neutral and non-polar, with leucine, which is neutral and non-polar, at codon 440 of the SPTLC1 protein (p.Pro440Leu). This variant is not present in population databases (gnomAD no frequency). This variant has not been reported in the literature in individuals affected with SPTLC1-related conditions. Advanced modeling of protein sequence and biophysical properties (such as structural, functional, and spatial information, amino acid conservation, physicochemical variation, residue mobility, and thermodynamic stability) performed at Invitae indicates that this missense variant is not expected to disrupt SPTLC1 protein function. In summary, the available evidence is currently insufficient to determine the role of this variant in disease. Therefore, it has been classified as a Variant of Uncertain Significance.

NM_006415.4(SPTLC1):c.1319C>T (p.Pro440Leu)

Gene: SPTLC1 (serine palmitoyltransferase long chain base subunit 1; minus strand). Cytogenetic location: 9q22.31.
Variant type: single nucleotide variant.
Coding change: c.1319C>T on transcript NM_006415.4 (MANE Select); coding-DNA position 1319, C replaced by T.
Protein change: p.Pro440Leu; replaces proline 440 with leucine.
Molecular consequence: missense variant.
Genome position (GRCh38, 1-based): chr9:92,034,819, G>A on the plus strand (C>T on the coding strand, the complement: SPTLC1 is on the minus strand). VCF-style: chr9-92034819-G-A. GRCh37 (hg19) VCF-style: chr9-94797101-G-A.
Other names: c.1319C>T, p.Pro440Leu (NM_001281303.2); c.953C>T, p.Pro318Leu (NM_001368272.1); c.854C>T, p.Pro285Leu (NM_001368273.1); short protein forms P285L, P318L, P440L.
Identifiers: ClinVar variation 2746495 (VCV002746495.3), dbSNP rs2538368082, ClinGen allele CA373789644.